The following is an entry in ClinVar:

NM_021620.4(PRDM13):c.886A>C (p.Lys296Gln)

Gene: PRDM13 (PR/SET domain 13; plus strand). Cytogenetic location: 6q16.2.
Variant type: single nucleotide variant.
Coding change: c.886A>C on transcript NM_021620.4 (MANE Select); coding-DNA position 886, A replaced by C.
Protein change: p.Lys296Gln; replaces lysine 296 with glutamine.
Molecular consequence: missense variant.
Genome position (GRCh38, 1-based): chr6:99,613,521, A>C. VCF-style: chr6-99613521-A-C. GRCh37 (hg19) VCF-style: chr6-100061397-A-C.
Other names: short protein forms K296Q.
Identifiers: ClinVar variation 1167069 (VCV001167069.34), dbSNP rs761003196, ClinGen allele CA3936294.

ClinVar aggregate classification (germline): Benign/Likely benign. Review status: criteria provided, multiple submitters, no conflicts (2 of 4 stars). 3 submissions from 3 submitters: Benign (1); Likely benign (2). Last evaluated 2025-12-01.

Allele frequency attached by ClinVar (database versions not stated): gnomAD 0.00018 and 0.00019; TOPMed 0.00023; gnomAD exomes 0.00024 and 0.00064; ExAC 0.00210.

Submissions (3):

Labcorp Genetics (formerly Invitae), Labcorp
Classification: Benign. Last evaluated: 2025-12-01. Review status: criteria provided, single submitter. Criteria: Invitae Variant Classification Sherloc (09022015). Collection method: clinical testing. Allele origin: germline.

Blueprint Genetics
Classification: Likely benign. Last evaluated: 2024-06-28. Review status: criteria provided, single submitter. Criteria: ACMG Guidelines, 2015. Collection method: clinical testing. Allele origin: germline.

CeGaT Center for Human Genetics Tuebingen
Classification: Likely benign. Last evaluated: 2023-06-01. Review status: criteria provided, single submitter. Criteria: CeGaT Center For Human Genetics Tuebingen Variant Classification Criteria Version 2. Collection method: clinical testing. Allele origin: germline. Affected: yes. Observed: 1 variant allele.
Comment: PRDM13: BS2